The following is an entry in ClinVar:

NM_001356.5(DDX3X):c.959TAG[1] (p.Val321del)

Gene: DDX3X (DEAD-box helicase 3 X-linked; plus strand). Cytogenetic location: Xp11.4.
Variant type: Microsatellite.
Coding change: c.959TAG[1] on transcript NM_001356.5 (MANE Select); one copy of the 3-base unit TAG starting at c.959; the reference has two copies in a row; one copy, 3 bases deleted; also written c.962_964del.
Protein change: p.Val321del; deletes valine 321.
Molecular consequence: inframe deletion. On other transcripts: non-coding transcript variant (1).
Genome position (GRCh38, 1-based): chrX:41,344,336-41,344,338, TAG deleted; deleting any 3 consecutive bases within chrX:41,344,333-41,344,338 gives the same sequence; the position shown is the placement nearest the transcript's 3' end. VCF-style (leftmost placement, unchanged base first): chrX-41344332-TTAG-T. GRCh37 (hg19) VCF-style: chrX-41203585-TTAG-T.
Other names: c.959TAG[1], p.Val321del (NM_001193416.3); c.911TAG[1], p.Val305del (NM_001193417.3); c.401TAG[1], p.Val135del (NM_001363819.1); c.962_964del (NM_001356.5); short protein forms V321del, V135del, V305del.
Identifiers: ClinVar variation 451203 (VCV000451203.7), dbSNP rs1555953527, ClinGen allele CA658658975.

ClinVar aggregate classification (germline): Conflicting classifications of pathogenicity. Review status: criteria provided, conflicting classifications (1 of 4 stars). 5 submissions from 5 submitters: Pathogenic (1); Likely pathogenic (1); Uncertain significance (3). Last evaluated 2024-01-04.

Conditions:
Intellectual disability, X-linked 102 (MRXSSB). Also called: Intellectual developmental disorder, X-linked syndromic, Snijders Blok type. Identifiers: Orphanet 457260, MedGen C5393299, MONDO:0010497, OMIM 300958.
Inborn genetic diseases. Identifiers: MedGen C0950123, MeSH D030342.

Submissions (5):

3billion
Classification: Uncertain significance for Intellectual disability, X-linked 102. Last evaluated: 2024-01-04. Review status: criteria provided, single submitter. Criteria: ACMG Guidelines, 2015. Collection method: clinical testing. Allele origin: germline. Affected: yes.
Comment: The variant is not observed in the gnomAD v2.1.1 dataset. Predicted Consequence/Location: Inframe deletion located in a nonrepeat region: predicted to change the length of the protein and disrupt normal protein function. The variant has been reported to be associated with DDX3X related disorder (ClinVar ID: VCV000451203). However, the evidence of pathogenicity is insufficient at this time. Therefore, this variant is classified as VUS according to the recommendation of ACMG/AMP guideline.

Institute of Human Genetics, University of Leipzig Medical Center
Classification: Likely pathogenic for Intellectual disability, X-linked 102. Last evaluated: 2020-10-27. Review status: criteria provided, single submitter. Criteria: ACMG Guidelines, 2015. Collection method: clinical testing. Allele origin: de novo. Inheritance: X-linked dominant inheritance. Affected: yes.
Comment: Criteria applied: PS2, PS4_SUP, PM4_SUP, PM2_SUP

Ambry Genetics
Classification: Uncertain significance for Inborn genetic diseases. Last evaluated: 2019-07-24. Review status: criteria provided, single submitter. Criteria: Ambry exome assertion method (8-5-2015). Collection method: clinical testing. Allele origin: germline. Affected: yes. Observed: 1 variant allele.

GeneDx
Classification: Pathogenic. Last evaluated: 2017-08-11. Review status: criteria provided, single submitter. Criteria: GeneDx Variant Classification (06012015). Collection method: clinical testing. Allele origin: germline. Affected: yes.
Comment: The c.962_964delTAG variant in the DDX3X gene has not been reported previously as a pathogenic variant nor as a benign variant, to our knowledge. This variant causes an in-frame deletion of codon Valine 321, denoted p.Val321del. The c.962_964delTAG variant is not observed in large population cohorts (Lek et al., 2016; 1000 Genomes Consortium et al., 2015; Exome Variant Server). The deleted amino acid is a residue that is conserved across species, and in silico analysis predicts this variant is probably damaging to the protein structure/function. Therefore, we interpret c.962_964delTAG as a pathogenic variant.

Molecular Genetics Lab, CHRU Brest
Classification: Uncertain significance for Intellectual disability, X-linked 102. Review status: criteria provided, single submitter. Criteria: ACMG Guidelines, 2015. Collection method: clinical testing. Allele origin: de novo. Affected: yes.

Literature cited by the submitters: PubMed 26235985 (cited by Ambry Genetics).